The following is an entry in ClinVar:

NM_007294.4(BRCA1):c.301+5G>C

Gene: BRCA1 (BRCA1 DNA repair associated; minus strand). Cytogenetic location: 17q21.31.
Variant type: single nucleotide variant.
Coding change: c.301+5G>C on transcript NM_007294.4 (MANE Select); 5 bases into the intron after coding-DNA position 301, G replaced by C.
Molecular consequence: intron variant.
Genome position (GRCh38, 1-based): chr17:43,104,863, C>G on the plus strand (G>C on the coding strand, the complement: BRCA1 is on the minus strand). VCF-style: chr17-43104863-C-G. GRCh37 (hg19) VCF-style: chr17-41256880-C-G.
Other names: c.160+5G>C (NM_001408458.1, NM_001407931.1, NM_001407747.1 and 99 more transcripts); c.-218-10003G>C (NM_001407967.1, NM_001407966.1); c.-81+5G>C (NM_001407959.1, NM_001407962.1, NM_001408512.1 and 4 more transcripts); c.91+5G>C (NM_001407885.1, NM_001407886.1, NM_001407898.1 and 58 more transcripts); c.301+5G>C (NM_001407686.1, NM_001408397.1, NM_001407632.1 and 164 more transcripts); c.169+5G>C (NM_001408451.1); c.223+5G>C (NM_001408475.1, NM_001407875.1, NM_001407659.1 and 21 more transcripts); c.292+14G>C (NM_001408408.1, NM_001407647.1, NM_001407646.1).
Identifiers: ClinVar variation 865648 (VCV000865648.3), dbSNP rs80358149, ClinGen allele CA916080812.
Genomic context (GRCh38, chr17:43,104,863, plus strand): 5'-GTGCAAACTTCCTGAGTTTTCATGGACAGCACTTGAGTGTCATTCTTGGGATATTCAACA[C>G]TTACACTCCAAACCTGTGTCAAGCTGAAAAGCACAAATGATTTTCAATAGCTCTTCAACA-3'

Conditions:
Breast-ovarian cancer, familial, susceptibility to, 1 (BROVCA1). Also called: BRCA1 Hereditary Breast and Ovarian Cancer; OVARIAN CANCER, SUSCEPTIBILITY TO. Identifiers: Orphanet 145, MedGen C2676676, MONDO:0011450, OMIM 604370. Disease mechanism: loss of function.

Submission:

Brotman Baty Institute, University of Washington
No classification provided (evidence only). Condition: Breast-ovarian cancer, familial 1. Review status: no classification provided. Collection method: in vitro. Allele origin: not applicable. Functional consequence: functionally_abnormal.
ClinVar note: "not provided" was previously submitted as the classification for the variant. However, the classification appeared to be based only on an observation of functional data so it was converted to no classification on 2025-07-30.